The following is an entry in ClinVar:

NM_024757.5(EHMT1):c.1665C>G (p.Asn555Lys)

Gene: EHMT1 (euchromatic histone lysine methyltransferase 1; plus strand). Cytogenetic location: 9q34.3.
Variant type: single nucleotide variant.
Coding change: c.1665C>G on transcript NM_024757.5 (MANE Select); coding-DNA position 1665, C replaced by G.
Protein change: p.Asn555Lys; replaces asparagine 555 with lysine.
Molecular consequence: missense variant.
Genome position (GRCh38, 1-based): chr9:137,775,126, C>G. VCF-style: chr9-137775126-C-G. GRCh37 (hg19) VCF-style: chr9-140669578-C-G.
Other names: c.1665C>G, p.Asn555Lys (NM_001145527.2); c.1572C>G, p.Asn524Lys (NM_001354259.2); c.1644C>G, p.Asn548Lys (NM_001354263.2); short protein forms N548K, N555K, N524K.
Identifiers: ClinVar variation 3666246 (VCV003666246.2).

ClinVar aggregate classification (germline): Uncertain significance (1 of 4 stars; one submission).

Conditions:
Kleefstra syndrome 1 (KLEFS1). Identifiers: Orphanet 261494, MedGen C0795833, MONDO:0027407, OMIM 610253.

Submission:

Labcorp Genetics (formerly Invitae), Labcorp
Classification: Uncertain significance for Kleefstra syndrome 1. Last evaluated: 2025-01-27. Review status: criteria provided, single submitter. Criteria: Invitae Variant Classification Sherloc (09022015). Collection method: clinical testing. Allele origin: germline.
Comment: This sequence change replaces asparagine, which is neutral and polar, with lysine, which is basic and polar, at codon 555 of the EHMT1 protein (p.Asn555Lys). This variant is not present in population databases (gnomAD no frequency). This variant has not been reported in the literature in individuals affected with EHMT1-related conditions. Invitae Evidence Modeling of protein sequence and biophysical properties (such as structural, functional, and spatial information, amino acid conservation, physicochemical variation, residue mobility, and thermodynamic stability) indicates that this missense variant is not expected to disrupt EHMT1 protein function with a negative predictive value of 80%. In summary, the available evidence is currently insufficient to determine the role of this variant in disease. Therefore, it has been classified as a Variant of Uncertain Significance.